The following is an entry in ClinVar:

ClinVar aggregate classification (germline): Uncertain significance. Review status: criteria provided, multiple submitters, no conflicts (2 of 4 stars). 5 submissions from 5 submitters: Uncertain significance (5). Last evaluated 2025-05-28.

Conditions:
Hereditary cancer-predisposing syndrome. Also called: Tumor predisposition; Neoplastic Syndromes, Hereditary; Hereditary Cancer Syndrome; Hereditary neoplastic syndrome. Identifiers: Orphanet 140162, MedGen C0027672, MeSH D009386, MONDO:0015356.
Familial adenomatous polyposis 3. Also called: NTHL1-Related Adenomatous Polyposis and Colorectal Cancer; NTHL1-associated polyposis; NTHL1-related attenuated familial adenomatous polyposis; NTHL1 Tumor Syndrome. Identifiers: Orphanet 220460, Orphanet 454840, MedGen C4225157, MONDO:0014630, OMIM 616415.

Allele frequency attached by ClinVar (database versions not stated): gnomAD 0.00002 and 0.00003; gnomAD exomes 0.00002 and 0.00004; TOPMed 0.00002; ExAC 0.00003; ESP Exome Variant Server 0.00015.

Submissions (5):

Quest Diagnostics Nichols Institute San Juan Capistrano
Classification: Uncertain significance. Last evaluated: 2025-05-28. Review status: criteria provided, single submitter. Criteria: Quest Diagnostics criteria. Collection method: clinical testing. Allele origin: unknown.
Comment: The NTHL1 c.826C>T (p.His276Tyr) variant has not been reported in individuals with NTHL1-related conditions in the published literature. The frequency of this variant in the general population (Genome Aggregation Database) is uninformative in the assessment of its pathogenicity. Analysis of this variant using bioinformatics tools for the prediction of the effect of amino acid changes on protein structure and function yielded predictions that this variant is benign. Additional analysis using software algorithms for the prediction of the effect of nucleotide changes on NTHL1 mRNA splicing yielded predictions that this variant may result in the gain of a cryptic splice site without affecting the natural splice sites. Based on the available information, we are unable to determine the clinical significance of this variant.

Labcorp Genetics (formerly Invitae), Labcorp
Classification: Uncertain significance. Last evaluated: 2024-12-29. Review status: criteria provided, single submitter. Criteria: Invitae Variant Classification Sherloc (09022015). Collection method: clinical testing. Allele origin: germline.
Comment: This sequence change replaces histidine, which is basic and polar, with tyrosine, which is neutral and polar, at codon 276 of the NTHL1 protein (p.His276Tyr). This variant is present in population databases (rs144556130, gnomAD 0.005%). This variant has not been reported in the literature in individuals affected with NTHL1-related conditions. ClinVar contains an entry for this variant (Variation ID: 656042). An algorithm developed to predict the effect of missense changes on protein structure and function (PolyPhen-2) suggests that this variant¬†is likely to be tolerated. In summary, the available evidence is currently insufficient to determine the role of this variant in disease. Therefore, it has been classified as a Variant of Uncertain Significance.

Ambry Genetics
Classification: Uncertain significance for Hereditary cancer-predisposing syndrome. Last evaluated: 2024-07-14. Review status: criteria provided, single submitter. Criteria: Ambry Variant Classification Scheme 2023. Collection method: clinical testing. Allele origin: germline.
Comment: The p.H276Y variant (also known as c.826C>T), located in coding exon 6 of the NTHL1 gene, results from a C to T substitution at nucleotide position 826. The histidine at codon 276 is replaced by tyrosine, an amino acid with similar properties. This amino acid position is poorly conserved in available vertebrate species. In addition, this alteration is predicted to be tolerated by in silico analysis. Since supporting evidence is limited at this time, the clinical significance of this alteration remains unclear.

Department of Pathology and Laboratory Medicine, Sinai Health System
Classification: Uncertain significance for Familial adenomatous polyposis 3. Last evaluated: 2024-07-02. Review status: criteria provided, single submitter. Criteria: ACMG Guidelines, 2015. Collection method: clinical testing. Allele origin: germline. Affected: yes.

GeneDx
Classification: Uncertain significance. Last evaluated: 2024-01-31. Review status: criteria provided, single submitter. Criteria: GeneDx Variant Classification Process June 2021. Collection method: clinical testing. Allele origin: germline. Affected: yes.
Comment: Not observed at significant frequency in large population cohorts (gnomAD); In silico analysis indicates that this missense variant does not alter protein structure/function; Has not been previously published as pathogenic or benign to our knowledge

NM_002528.7(NTHL1):c.802C>T (p.His268Tyr)

Gene: NTHL1 (nth like DNA glycosylase 1; minus strand). Cytogenetic location: 16p13.3.
Variant type: single nucleotide variant.
Coding change: c.802C>T on transcript NM_002528.7 (MANE Select); coding-DNA position 802, C replaced by T.
Protein change: p.His268Tyr; replaces histidine 268 with tyrosine.
Molecular consequence: missense variant.
Genome position (GRCh38, 1-based): chr16:2,040,037, G>A on the plus strand (C>T on the coding strand, the complement: NTHL1 is on the minus strand). VCF-style: chr16-2040037-G-A. GRCh37 (hg19) VCF-style: chr16-2090038-G-A.
Other names: c.802C>T, p.His268Tyr (LRG_1366t1); c.631C>T, p.His211Tyr (NM_001318193.2); c.472C>T, p.His158Tyr (NM_001318194.2); short protein forms H211Y, H268Y, H158Y.
Identifiers: ClinVar variation 656042 (VCV000656042.16), dbSNP rs144556130, ClinGen allele CA7828090.